The following is an entry in ClinVar:

ClinVar aggregate classification (germline): Uncertain significance (1 of 4 stars; one submission).

Conditions:
Cardiovascular phenotype. Identifiers: MedGen CN230736.

gnomAD v4.1: 11 of 1,611,090 alleles (0.00068%); highest among the groups gnomAD compares: Admixed American, 0.0033%; no homozygotes.

Submission:

Ambry Genetics
Classification: Uncertain significance for Cardiovascular phenotype. Last evaluated: 2024-11-10. Review status: criteria provided, single submitter. Criteria: Ambry Variant Classification Scheme 2023. Collection method: clinical testing. Allele origin: germline.
Comment: The p.M491T variant (also known as c.1472T>C), located in coding exon 7 of the MYPN gene, results from a T to C substitution at nucleotide position 1472. The methionine at codon 491 is replaced by threonine, an amino acid with similar properties. This amino acid position is conserved. In addition, the in silico prediction for this alteration is inconclusive. Based on the available evidence, the clinical significance of this variant remains unclear.

NM_032578.4(MYPN):c.1472T>C (p.Met491Thr)

Gene: MYPN (myopalladin; plus strand). Cytogenetic location: 10q21.3.
Variant type: single nucleotide variant.
Coding change: c.1472T>C on transcript NM_032578.4 (MANE Select); coding-DNA position 1472, T replaced by C.
Protein change: p.Met491Thr; replaces methionine 491 with threonine.
Molecular consequence: missense variant. On other transcripts: non-coding transcript variant (1).
Genome position (GRCh38, 1-based): chr10:68,161,741, T>C. VCF-style: chr10-68161741-T-C. GRCh37 (hg19) VCF-style: chr10-69921498-T-C.
Other names: c.1472T>C, p.Met491Thr (NM_001256267.2); c.590T>C, p.Met197Thr (NM_001256268.2); short protein forms M197T, M491T.
Identifiers: ClinVar variation 3402117 (VCV003402117.1).
Genomic context (GRCh38, chr10:68,161,741, plus strand): 5'-TTCTCAGTAAAATAAATGCTCAGAATCTTTTACTTTCTTTTCTTTTAGAACCTCGATCCA[T>C]GGCAGAGCCAGGTAAAGATGATTTCAACTTTAATTTATTAGTATATGAGTGATTTTATAT-3'
Protein context (NP_115967.2, residues 481-501): FRILQKKPRS[Met491Thr]AEPEEICTLV